The following is an entry in ClinVar:

NM_001042517.2(DIAPH3):c.3028C>A (p.Gln1010Lys)

Gene: DIAPH3 (diaphanous related formin 3; minus strand). Cytogenetic location: 13q21.2.
Variant type: single nucleotide variant.
Coding change: c.3028C>A on transcript NM_001042517.2 (MANE Select); coding-DNA position 3028, C replaced by A.
Protein change: p.Gln1010Lys; replaces glutamine 1010 with lysine.
Molecular consequence: missense variant.
Genome position (GRCh38, 1-based): chr13:59,810,923, G>T on the plus strand (C>A on the coding strand, the complement: DIAPH3 is on the minus strand). VCF-style: chr13-59810923-G-T. GRCh37 (hg19) VCF-style: chr13-60385057-G-T.
Other names: c.2995C>A, p.Gln999Lys (NM_001258366.2); c.2890C>A, p.Gln964Lys (NM_001258367.2); c.2818C>A, p.Gln940Lys (NM_001258368.2); c.3028C>A, p.Gln1010Lys (NM_001258369.2); c.2239C>A, p.Gln747Lys (NM_030932.4); short protein forms Q940K, Q747K, Q999K, Q1010K, Q964K.
Identifiers: ClinVar variation 2396732 (VCV002396732.5), dbSNP rs1330526168, ClinGen allele CA388329325.

ClinVar aggregate classification (germline): Uncertain significance. Review status: criteria provided, multiple submitters, no conflicts (2 of 4 stars). 2 submissions from 2 submitters: Uncertain significance (2). Last evaluated 2023-07-03.

gnomAD v4.1: 3 of 1,256,222 alleles (0.00024%); highest among the groups gnomAD compares: Non-Finnish European, 0.00031%; no homozygotes.

Submissions (2):

Labcorp Genetics (formerly Invitae), Labcorp
Classification: Uncertain significance. Last evaluated: 2023-07-03. Review status: criteria provided, single submitter. Criteria: Invitae Variant Classification Sherloc (09022015). Collection method: clinical testing. Allele origin: germline.
Comment: This sequence change replaces glutamine, which is neutral and polar, with lysine, which is basic and polar, at codon 1010 of the DIAPH3 protein (p.Gln1010Lys). The frequency data for this variant in the population databases is considered unreliable, as metrics indicate poor data quality at this position in the gnomAD database. This variant has not been reported in the literature in individuals affected with DIAPH3-related conditions. ClinVar contains an entry for this variant (Variation ID: 2396732). An algorithm developed to predict the effect of missense changes on protein structure and function (PolyPhen-2) suggests that this variant is likely to be tolerated. In summary, the available evidence is currently insufficient to determine the role of this variant in disease. Therefore, it has been classified as a Variant of Uncertain Significance.

Ambry Genetics
Classification: Uncertain significance. Last evaluated: 2022-11-07. Review status: criteria provided, single submitter. Criteria: Ambry Variant Classification Scheme 2023. Collection method: clinical testing. Allele origin: germline.